The following is an entry in ClinVar:

NM_003664.5(AP3B1):c.2894+6T>C

Gene: AP3B1 (adaptor related protein complex 3 subunit beta 1; minus strand). Cytogenetic location: 5q14.1.
Variant type: single nucleotide variant.
Coding change: c.2894+6T>C on transcript NM_003664.5 (MANE Select); 6 bases into the intron after coding-DNA position 2894, T replaced by C.
Molecular consequence: intron variant.
Genome position (GRCh38, 1-based): chr5:78,034,355, A>G on the plus strand (T>C on the coding strand, the complement: AP3B1 is on the minus strand). VCF-style: chr5-78034355-A-G. GRCh37 (hg19) VCF-style: chr5-77330179-A-G.
Other names: c.2747+6T>C (NM_001271769.2).
Identifiers: ClinVar variation 2869163 (VCV002869163.3), dbSNP rs2530803659, ClinGen allele CA2739274790.

ClinVar aggregate classification (germline): Uncertain significance (1 of 4 stars; one submission).

Conditions:
Hermansky-Pudlak syndrome 2 (HPS2). Also called: Platelet defects and oculocutaneous albinism. Identifiers: Orphanet 183678, Orphanet 79430, MedGen C1842362, MONDO:0011997, OMIM 608233.

Submission:

Labcorp Genetics (formerly Invitae), Labcorp
Classification: Uncertain significance for Hermansky-Pudlak syndrome 2. Last evaluated: 2023-08-16. Review status: criteria provided, single submitter. Criteria: Invitae Variant Classification Sherloc (09022015). Collection method: clinical testing. Allele origin: germline.
Comment: In summary, the available evidence is currently insufficient to determine the role of this variant in disease. Therefore, it has been classified as a Variant of Uncertain Significance. Variants that disrupt the consensus splice site are a relatively common cause of aberrant splicing (PMID: 17576681, 9536098). Algorithms developed to predict the effect of sequence changes on RNA splicing suggest that this variant is not likely to affect RNA splicing. This variant has not been reported in the literature in individuals affected with AP3B1-related conditions. This variant is not present in population databases (gnomAD no frequency). This sequence change falls in intron 24 of the AP3B1 gene. It does not directly change the encoded amino acid sequence of the AP3B1 protein. It affects a nucleotide within the consensus splice site.

Literature cited by the submitters: PubMed 17576681; PubMed 9536098.